The following is an entry in ClinVar:

NM_182914.3(SYNE2):c.4577+6del

Gene: SYNE2 (spectrin repeat containing nuclear envelope protein 2; plus strand). Cytogenetic location: 14q23.2.
Variant type: Deletion.
Coding change: c.4577+6del on transcript NM_182914.3 (MANE Select); 6 bases into the intron after coding-DNA position 4577, one base deleted (G; older notation c.4577+6delG).
Molecular consequence: intron variant.
Genome position (GRCh38, 1-based): chr14:64,007,228, G deleted; the last of 2 consecutive G bases (chr14:64,007,227-64,007,228); deleting either gives the same sequence. VCF-style (leftmost placement, unchanged base first): chr14-64007226-AG-A. GRCh37 (hg19) VCF-style: chr14-64473944-AG-A.
Other names: c.4577+6del (NM_015180.6).
Identifiers: ClinVar variation 3003958 (VCV003003958.3), dbSNP rs2096803206, ClinGen allele CA2740097107.
Genomic context (GRCh38, chr14:64,007,226, plus strand): 5'-ACAGTGCCAAAATACAGTAGTCTTGTGGGAGAATACCAAAGCCTTGGTCACCGAATGGTA[AG>A]GAAAAAAAAGAATCCCTCTTGAATCTGAAAAATTGTCTGTAGCACAATTAACTTTTTCAA-3'

ClinVar aggregate classification (germline): Uncertain significance (1 of 4 stars; one submission).

Conditions:
Emery-Dreifuss muscular dystrophy 5, autosomal dominant (EDMD5). Also called: EMERY-DREIFUSS MUSCULAR DYSTROPHY 5. Identifiers: Orphanet 261, MedGen C2751805, MONDO:0013072, OMIM 612999.

Submission:

Labcorp Genetics (formerly Invitae), Labcorp
Classification: Uncertain significance for Emery-Dreifuss muscular dystrophy 5, autosomal dominant. Last evaluated: 2023-07-17. Review status: criteria provided, single submitter. Criteria: Invitae Variant Classification Sherloc (09022015). Collection method: clinical testing. Allele origin: germline.
Comment: In summary, the available evidence is currently insufficient to determine the role of this variant in disease. Therefore, it has been classified as a Variant of Uncertain Significance. Variants that disrupt the consensus splice site are a relatively common cause of aberrant splicing (PMID: 17576681, 9536098). Algorithms developed to predict the effect of sequence changes on RNA splicing suggest that this variant is not likely to affect RNA splicing. This variant has not been reported in the literature in individuals affected with SYNE2-related conditions. This variant is not present in population databases (gnomAD no frequency). This sequence change falls in intron 31 of the SYNE2 gene. It does not directly change the encoded amino acid sequence of the SYNE2 protein. It affects a nucleotide within the consensus splice site.

Literature cited by the submitters: PubMed 17576681; PubMed 9536098.